The following is an entry in ClinVar:

ClinVar aggregate classification (germline): Benign. Review status: reviewed by expert panel (3 of 4 stars). 2 submissions from 2 submitters: Benign (1). 1 of the submissions does not count toward it. Last evaluated 2015-01-12.

Conditions:
Breast-ovarian cancer, familial, susceptibility to, 1 (BROVCA1). Also called: BRCA1 Hereditary Breast and Ovarian Cancer; OVARIAN CANCER, SUSCEPTIBILITY TO. Identifiers: Orphanet 145, MedGen C2676676, MONDO:0011450, OMIM 604370. Disease mechanism: loss of function.

Allele frequency attached by ClinVar (database versions not stated): gnomAD 0.00400; 1000 Genomes Project 30x 0.00406; 1000 Genomes Project 0.00499; TOPMed 0.00520.
gnomAD v4.1: 883 of 444,614 alleles (0.2%); highest among the groups gnomAD compares: African/African-American, 1.6%; 14 homozygotes.

Submissions (2):

Evidence-based Network for the Interpretation of Germline Mutant Alleles (ENIGMA)
Classification: Benign for Breast-ovarian cancer, familial 1. Last evaluated: 2015-01-12. Review status: reviewed by expert panel. Criteria: ENIGMA BRCA1/2 Classification Criteria (2015). Collection method: curation. Allele origin: germline.
Comment: Class 1 not pathogenic based on frequency >1% in an outbred sampleset. Frequency 0.02033 (African), derived from 1000 genomes (2012-04-30).

GeneDx
Classification: Likely benign. Last evaluated: 2018-06-26. Review status: criteria provided, single submitter. Criteria: GeneDx Variant Classification Process June 2021. Collection method: clinical testing. Allele origin: germline. Affected: yes. Not counted in ClinVar's aggregate classification.

NM_007294.4(BRCA1):c.5074+205G>A

Gene: BRCA1 (BRCA1 DNA repair associated; minus strand). Cytogenetic location: 17q21.31.
Variant type: single nucleotide variant.
Coding change: c.5074+205G>A on transcript NM_007294.4 (MANE Select); 205 bases into the intron after coding-DNA position 5074, G replaced by A.
Molecular consequence: intron variant.
Genome position (GRCh38, 1-based): chr17:43,067,403, C>T on the plus strand (G>A on the coding strand, the complement: BRCA1 is on the minus strand). VCF-style: chr17-43067403-C-T. GRCh37 (hg19) VCF-style: chr17-41219420-C-T.
Other names: IVS 17+205G>A; c.1684+205G>A (NM_001408413.1, NM_001408416.1, NM_001408414.1 and 2 more transcripts); c.4990+205G>A (NM_001407660.1, NM_001407661.1, NM_001407663.1 and 2 more transcripts); c.1561+205G>A (NM_001408476.1, NM_001408475.1); c.1564+205G>A (NM_001408474.1); c.4873+205G>A (NM_001407862.1); c.1753+205G>A (NM_001408409.1); c.4993+205G>A (NM_001407658.1, NM_001407656.1, NM_001407657.1); and 72 more.
Identifiers: ClinVar variation 209349 (VCV000209349.5), dbSNP rs113814958, ClinGen allele CA276321.